The following is an entry in ClinVar:

ClinVar aggregate classification (germline): Pathogenic (1 of 4 stars; one submission).

Submission:

GeneDx
Classification: Pathogenic. Last evaluated: 2018-02-06. Review status: criteria provided, single submitter. Criteria: GeneDx Variant Classification (06012015). Collection method: clinical testing. Allele origin: germline. Affected: yes.
Comment: The c.328+1G>A variant in the ZDHHC9 gene has not been reported previously as a pathogenic variant nor as a benign variant, to our knowledge. This splice site variant destroys the canonical splice donor site in intron 4. It is predicted to cause abnormal gene splicing, either leading to an abnormal message that is subject to nonsense-mediated mRNA decay, or to an abnormal protein product if the message is used for protein translation. The c.328+1G>A variant is not observed in large population cohorts (Lek et al., 2016). We interpret c.328+1G>A as a pathogenic variant.

NM_016032.4(ZDHHC9):c.328+1G>A

Gene: ZDHHC9 (zinc finger DHHC-type palmitoyltransferase 9; minus strand). Cytogenetic location: Xq26.1.
Variant type: single nucleotide variant.
Coding change: c.328+1G>A on transcript NM_016032.4 (MANE Select); the canonical splice donor site of the intron after coding-DNA position 328, G replaced by A.
Molecular consequence: splice donor variant.
Genome position (GRCh38, 1-based): chrX:129,828,980, C>T on the plus strand (G>A on the coding strand, the complement: ZDHHC9 is on the minus strand). VCF-style: chrX-129828980-C-T. GRCh37 (hg19) VCF-style: chrX-128962956-C-T.
Other names: c.328+1G>A (NM_001008222.3).
Identifiers: ClinVar variation 504233 (VCV000504233.2), dbSNP rs1556007364, ClinGen allele CA414592329.